The following is an entry in ClinVar:

ClinVar aggregate classification (germline): Uncertain significance (1 of 4 stars; one submission).

Conditions:
Alstrom syndrome (ALMS). Identifiers: Orphanet 64, MedGen C0268425, MONDO:0008763, OMIM 203800.

gnomAD v4.1: 4 of 1,612,062 alleles (0.00025%); highest among the groups gnomAD compares: East Asian, 0.0045%; no homozygotes.

Submission:

Labcorp Genetics (formerly Invitae), Labcorp
Classification: Uncertain significance for Alstrom syndrome. Last evaluated: 2022-07-04. Review status: criteria provided, single submitter. Criteria: Invitae Variant Classification Sherloc (09022015). Collection method: clinical testing. Allele origin: germline.
Comment: This sequence change replaces asparagine, which is neutral and polar, with tyrosine, which is neutral and polar, at codon 1668 of the ALMS1 protein (p.Asn1668Tyr). This variant is present in population databases (no rsID available, gnomAD 0.01%). This variant has not been reported in the literature in individuals affected with ALMS1-related conditions. Experimental studies and prediction algorithms are not available or were not evaluated, and the functional significance of this variant is currently unknown. In summary, the available evidence is currently insufficient to determine the role of this variant in disease. Therefore, it has been classified as a Variant of Uncertain Significance.

NM_001378454.1(ALMS1):c.4999A>T (p.Asn1667Tyr)

Gene: ALMS1 (ALMS1 centrosome and basal body associated protein; plus strand). Cytogenetic location: 2p13.1.
Variant type: single nucleotide variant.
Coding change: c.4999A>T on transcript NM_001378454.1 (MANE Select); coding-DNA position 4999, A replaced by T.
Protein change: p.Asn1667Tyr; replaces asparagine 1667 with tyrosine.
Molecular consequence: missense variant.
Genome position (GRCh38, 1-based): chr2:73,451,526, A>T. VCF-style: chr2-73451526-A-T. GRCh37 (hg19) VCF-style: chr2-73678653-A-T.
Other names: c.5002A>T, p.Asn1668Tyr (NM_015120.4); short protein forms N1667Y, N1668Y.
Identifiers: ClinVar variation 1964440 (VCV001964440.2), dbSNP rs1372169730, ClinGen allele CA347279701.
Genomic context (GRCh38, chr2:73,451,526, plus strand): 5'-GCTCCTGGACCAGCTGACCAGAAGACTGAGACATTACCAGTACATTCTACTAGCTACTCA[A>T]ATAGGGGGAAGCCTGTCATTTTCTACCAGCAGACCCTATCAGACAGTCATTTACCTGAAG-3'
Protein context (NP_001365383.1, residues 1657-1677): TLPVHSTSYS[Asn1667Tyr]RGKPVIFYQQ